The following is an entry in ClinVar:

NM_012295.4(CABIN1):c.1083C>T (p.Gly361=)

Gene: CABIN1 (calcineurin binding protein 1; plus strand). Cytogenetic location: 22q11.23.
Variant type: single nucleotide variant.
Coding change: c.1083C>T on transcript NM_012295.4 (MANE Select); coding-DNA position 1083, C replaced by T.
Protein change: p.Gly361=; no amino-acid change (glycine 361 retained).
Molecular consequence: synonymous variant.
Genome position (GRCh38, 1-based): chr22:24,055,149, C>T. VCF-style: chr22-24055149-C-T. GRCh37 (hg19) VCF-style: chr22-24451612-C-T.
Other names: NC_000022.10:g.24451612C>T; c.1083C>T, p.Gly361= (NM_001199281.1); c.933C>T, p.Gly311= (NM_001201429.2).
Identifiers: ClinVar variation 727055 (VCV000727055.28), dbSNP rs140239066, ClinGen allele CA10148504.
Genomic context (GRCh38, chr22:24,055,149, plus strand): 5'-CTACACCTCTGTGGCTACAACCAGCTTCCCACTGCACAGTCCTGGTCTGTTGGAGACAGG[C>T]GCTCCTGTGGGTAAGCAGGCCCCCTGAATTTGGCTTCCGGGGAGACCCCGTTCACTGAGC-3'
Protein context (NP_036427.1, residues 351-371): PLHSPGLLET[Gly361=]APVGDISGGD

ClinVar aggregate classification (germline): Benign/Likely benign. Review status: criteria provided, multiple submitters, no conflicts (2 of 4 stars). 2 submissions from 2 submitters: Benign (1); Likely benign (1). Last evaluated 2023-01-01.

Allele frequency attached by ClinVar (database versions not stated): gnomAD 0.00015 and 0.00017; gnomAD exomes 0.00019 and 0.00048; TOPMed 0.00025; ExAC 0.00052; 1000 Genomes Project 0.00080; 1000 Genomes Project 30x 0.00094.
gnomAD v4.1: 305 of 1,611,694 alleles (0.019%); highest among the groups gnomAD compares: East Asian, 0.55%; 1 homozygote.

Submissions (4):

CeGaT Center for Human Genetics Tuebingen
Classification: Likely benign. Last evaluated: 2023-01-01. Review status: criteria provided, single submitter. Criteria: CeGaT Center For Human Genetics Tuebingen Variant Classification Criteria Version 2. Collection method: clinical testing. Allele origin: germline. Affected: yes. Observed: 1 variant allele.
Comment: CABIN1: BP4, BP7

Labcorp Genetics (formerly Invitae), Labcorp
Classification: Benign. Last evaluated: 2018-04-16. Review status: criteria provided, single submitter. Criteria: Invitae Variant Classification Sherloc (09022015). Collection method: clinical testing. Allele origin: germline.

Dr. Peter K. Rogan Lab, Western University
No classification provided (evidence only). Condition: Malignant tumor of urinary bladder. Review status: no classification provided. Collection method: in vitro. Allele origin: not applicable. Functional consequence: retained intron. Not counted in ClinVar's aggregate classification.

Dr. Peter K. Rogan Lab, Western University
No classification provided (evidence only). Condition: Gastric cancer. Review status: no classification provided. Collection method: in vitro. Allele origin: not applicable. Functional consequence: retained intron. Not counted in ClinVar's aggregate classification.